The following is an entry in ClinVar:

NM_002480.3(PPP1R12A):c.1418G>C (p.Ser473Thr)

Gene: PPP1R12A (protein phosphatase 1 regulatory subunit 12A; minus strand). Cytogenetic location: 12q21.2.
Variant type: single nucleotide variant.
Coding change: c.1418G>C on transcript NM_002480.3 (MANE Select); coding-DNA position 1418, G replaced by C.
Protein change: p.Ser473Thr; replaces serine 473 with threonine.
Molecular consequence: missense variant.
Genome position (GRCh38, 1-based): chr12:79,809,832, C>G on the plus strand (G>C on the coding strand, the complement: PPP1R12A is on the minus strand). VCF-style: chr12-79809832-C-G. GRCh37 (hg19) VCF-style: chr12-80203612-C-G.
Other names: c.1418G>C, p.Ser473Thr (NM_001143885.2, NM_001244990.2, NM_001244992.1); c.1157G>C, p.Ser386Thr (NM_001143886.2); short protein forms S386T, S473T.
Identifiers: ClinVar variation 5020443 (VCV005020443.1).

ClinVar aggregate classification (germline): Uncertain significance (1 of 4 stars; one submission).

gnomAD v4.1: 1 of 1,613,466 alleles (0.000062%); highest among the groups gnomAD compares: Admixed American, 0.0017%; no homozygotes.

Submission:

Dasa
Classification: Uncertain significance. Last evaluated: 2026-06-02. Review status: criteria provided, single submitter. Criteria: DASA Assertion Criteria. Collection method: clinical testing. Allele origin: germline.
Comment: NM_002480.3(PPP1R12A):c.1418G>C (p.Ser473Thr) is a missense variant that results in the substitution of serine with threonine. This variant is rare in population databases. Computational prediction algorithms are consistent with a benign effect. The currently available literature and clinical evidence are not sufficient to establish a definitive association between this variant and the reported condition. Therefore, this variant is classified as a variant of uncertain significance.